The following is an entry in ClinVar:

NM_145059.3(FCSK):c.412-5C>A

Gene: FCSK (fucose kinase; plus strand). Cytogenetic location: 16q22.1.
Variant type: single nucleotide variant.
Coding change: c.412-5C>A on transcript NM_145059.3 (MANE Select); 5 bases into the intron before coding-DNA position 412, C replaced by A.
Molecular consequence: intron variant.
Genome position (GRCh38, 1-based): chr16:70,466,877, C>A. VCF-style: chr16-70466877-C-A. GRCh37 (hg19) VCF-style: chr16-70500780-C-A.
Identifiers: ClinVar variation 2044922 (VCV002044922.6), dbSNP rs79822893, ClinGen allele CA8142901.

ClinVar aggregate classification (germline): Benign/Likely benign. Review status: criteria provided, multiple submitters, no conflicts (2 of 4 stars). 2 submissions from 2 submitters: Benign (1); Likely benign (1). Last evaluated 2026-08-01.

Allele frequency attached by ClinVar (database versions not stated): ESP Exome Variant Server 0.00016; 1000 Genomes Project 0.00040; 1000 Genomes Project 30x 0.00047.
gnomAD v4.1: 634 of 1,612,804 alleles (0.039%); highest among the groups gnomAD compares: South Asian, 0.35%; 2 homozygotes.

Submissions (3):

CeGaT Center for Human Genetics Tuebingen
Classification: Likely benign. Last evaluated: 2026-08-01. Review status: criteria provided, single submitter. Criteria: CeGaT Center For Human Genetics Tuebingen Variant Classification Criteria Version 2. Collection method: clinical testing. Allele origin: germline. Affected: yes. Observed: 1 variant allele.
Comment: FCSK: BP4

Labcorp Genetics (formerly Invitae), Labcorp
Classification: Benign. Last evaluated: 2025-11-10. Review status: criteria provided, single submitter. Criteria: Invitae Variant Classification Sherloc (09022015). Collection method: clinical testing. Allele origin: germline.

Dr. Peter K. Rogan Lab, Western University
No classification provided (evidence only). Condition: Lung cancer. Review status: no classification provided. Collection method: in vitro. Allele origin: not applicable. Functional consequence: retained intron. Not counted in ClinVar's aggregate classification.